The following is an entry in ClinVar:

ClinVar aggregate classification (germline): Conflicting classifications of pathogenicity. Review status: criteria provided, conflicting classifications (1 of 4 stars). 3 submissions from 3 submitters: Uncertain significance (1); Likely benign (1). 1 of the submissions does not count toward it. Last evaluated 2024-11-14.

Conditions:
MAN1B1-related disorder. Also called: MAN1B1-related condition; MAN1B1-related disorders.

Allele frequency attached by ClinVar (database versions not stated): TOPMed 0.00001; gnomAD 0.00002 and 0.00003; gnomAD exomes 0.00004 and 0.00010; ESP Exome Variant Server 0.00008; ExAC 0.00015.
gnomAD v4.1: 77 of 1,613,308 alleles (0.0048%); highest among the groups gnomAD compares: East Asian, 0.04%; no homozygotes.

Submissions (3):

Blueprint Genetics
Classification: Likely benign. Last evaluated: 2024-11-14. Review status: criteria provided, single submitter. Criteria: ACMG Guidelines, 2015. Collection method: clinical testing. Allele origin: germline.

Genetic Services Laboratory, University of Chicago
Classification: Uncertain significance. Last evaluated: 2015-10-22. Review status: criteria provided, single submitter. Criteria: ACMG Guidelines, 2015. Collection method: clinical testing. Allele origin: germline. Affected: no.

PreventionGenetics, part of Exact Sciences
Classification: Likely benign for MAN1B1-related condition. Last evaluated: 2019-09-23. Review status: no assertion criteria provided. Collection method: clinical testing. Allele origin: germline. Not counted in ClinVar's aggregate classification.
Comment: This variant is classified as likely benign based on ACMG/AMP sequence variant interpretation guidelines (Richards et al. 2015 PMID: 25741868, with internal and published modifications).

NM_016219.5(MAN1B1):c.1764+9G>C

Gene: MAN1B1 (mannosidase alpha class 1B member 1; plus strand). Cytogenetic location: 9q34.3.
Variant type: single nucleotide variant.
Coding change: c.1764+9G>C on transcript NM_016219.5 (MANE Select); 9 bases into the intron after coding-DNA position 1764, G replaced by C.
Molecular consequence: intron variant.
Genome position (GRCh38, 1-based): chr9:137,107,456, G>C. VCF-style: chr9-137107456-G-C. GRCh37 (hg19) VCF-style: chr9-140001908-G-C.
Identifiers: ClinVar variation 435809 (VCV000435809.9), dbSNP rs377406887, ClinGen allele CA5359366.